The following is an entry in ClinVar:

NM_001148.6(ANK2):c.10250G>A (p.Ser3417Asn)

Gene: ANK2 (ankyrin 2; plus strand). Cytogenetic location: 4q26.
Variant type: single nucleotide variant.
Coding change: c.10250G>A on transcript NM_001148.6 (MANE Select); coding-DNA position 10250, G replaced by A.
Protein change: p.Ser3417Asn; replaces serine 3417 with asparagine.
Molecular consequence: missense variant. On other transcripts: intron variant (68).
Genome position (GRCh38, 1-based): chr4:113,358,868, G>A. VCF-style: chr4-113358868-G-A. GRCh37 (hg19) VCF-style: chr4-114280024-G-A.
Other names: c.10016G>A, p.Ser3339Asn (NM_001386142.1); c.6650G>A, p.Ser2217Asn (NM_001386166.1); c.10391G>A, p.Ser3464Asn (NM_001386174.1); c.10367G>A, p.Ser3456Asn (NM_001386175.1); c.4412-1955G>A (NM_001386186.2, NM_001386148.2); c.4214-1955G>A (NM_001354269.3); c.4292-1955G>A (NM_001386187.2); c.4253-1955G>A (NM_001386147.1); and 35 more; short protein forms S3339N, S3464N, S2217N, S3417N, S3456N.
Identifiers: ClinVar variation 2565295 (VCV002565295.3), dbSNP rs1379541996, ClinGen allele CA357940006.

ClinVar aggregate classification (germline): Uncertain significance (1 of 4 stars; one submission).

Conditions:
Cardiovascular phenotype. Identifiers: MedGen CN230736.

Allele frequency attached by ClinVar (database versions not stated): gnomAD exomes below 0.00001; TOPMed below 0.00001.
gnomAD v4.1: 2 of 1,614,070 alleles (0.00012%); no homozygotes.

Submission:

Ambry Genetics
Classification: Uncertain significance for Cardiovascular phenotype. Last evaluated: 2025-05-30. Review status: criteria provided, single submitter. Criteria: Ambry Variant Classification Scheme 2023. Collection method: clinical testing. Allele origin: germline.
Comment: The p.S3417N variant (also known as c.10250G>A), located in coding exon 38 of the ANK2 gene, results from a G to A substitution at nucleotide position 10250. The serine at codon 3417 is replaced by asparagine, an amino acid with highly similar properties. This amino acid position is conserved. In addition, this alteration is predicted to be tolerated by in silico analysis. Since supporting evidence is limited at this time, the clinical significance of this alteration remains unclear.